The following is an entry in ClinVar:

ClinVar aggregate classification (germline): Uncertain significance (1 of 4 stars; one submission).

Conditions:
Aortic aneurysm, familial thoracic 7 (AAT7). Also called: AORTIC DISSECTION, FAMILIAL, WITH OR WITHOUT AORTIC ANEURYSM. Identifiers: MedGen C3151077, MONDO:0013418, OMIM 613780.

gnomAD v4.1: 3 of 1,614,052 alleles (0.00019%); highest among the groups gnomAD compares: Middle Eastern, 0.033%; no homozygotes.

Submission:

Labcorp Genetics (formerly Invitae), Labcorp
Classification: Uncertain significance for Aortic aneurysm, familial thoracic 7. Last evaluated: 2025-11-04. Review status: criteria provided, single submitter. Criteria: Invitae Variant Classification Sherloc (09022015). Collection method: clinical testing. Allele origin: germline.
Comment: This sequence change replaces valine, which is neutral and non-polar, with leucine, which is neutral and non-polar, at codon 1841 of the MYLK protein (p.Val1841Leu). This variant is not present in population databases (gnomAD no frequency). This variant has not been reported in the literature in individuals affected with MYLK-related conditions. Invitae Evidence Modeling of protein sequence and biophysical properties (such as structural, functional, and spatial information, amino acid conservation, physicochemical variation, residue mobility, and thermodynamic stability) indicates that this missense variant is not expected to disrupt MYLK protein function with a negative predictive value of 80%. In summary, the available evidence is currently insufficient to determine the role of this variant in disease. Therefore, it has been classified as a Variant of Uncertain Significance.

NM_053025.4(MYLK):c.5521G>C (p.Val1841Leu)

Genes: MYLK-AS1 (MYLK antisense RNA 1; plus strand), MYLK (myosin light chain kinase; minus strand). Cytogenetic location: 3q21.1.
Variant type: single nucleotide variant.
Coding change: c.5521G>C on transcript NM_053025.4 (MANE Select); coding-DNA position 5521, G replaced by C.
Protein change: p.Val1841Leu; replaces valine 1841 with leucine.
Molecular consequence: missense variant.
Genome position (GRCh38, 1-based): chr3:123,614,329, C>G on the plus strand (G>C on the coding strand, the complement: MYLK is on the minus strand). VCF-style: chr3-123614329-C-G. GRCh37 (hg19) VCF-style: chr3-123333176-C-G.
Other names: c.4993G>C, p.Val1665Leu (NM_001321309.2); c.238G>C, p.Val80Leu (NM_001438035.1, NM_053031.4); c.5314G>C, p.Val1772Leu (NM_053026.4); c.5368G>C, p.Val1790Leu (NM_053027.4); c.5161G>C, p.Val1721Leu (NM_053028.4); c.241G>C, p.Val81Leu (NM_053032.4); short protein forms V1665L, V1721L, V81L, V1790L, V1841L, V80L, V1772L.
Identifiers: ClinVar variation 4770473 (VCV004770473.1).